The following is an entry in ClinVar:

ClinVar aggregate classification (germline): Pathogenic/Likely pathogenic. Review status: criteria provided, multiple submitters, no conflicts (2 of 4 stars). 6 submissions from 6 submitters: Pathogenic (1); Likely pathogenic (3). 2 of the submissions do not count toward it. Last evaluated 2024-06-20.

Conditions:
Fanconi anemia (FA). Also called: Fanconi's anemia. Identifiers: Orphanet 84, MedGen C0015625, MeSH D005199, MONDO:0019391.
Fanconi anemia complementation group A (FANCA). Also called: Fanconi anemia, group A; FANCA-Related Fanconi Anemia. Identifiers: Orphanet 84, MedGen C3469521, MONDO:0009215, OMIM 227650.

Allele frequency attached by ClinVar (database versions not stated): gnomAD 0.00001 and 0.00002; gnomAD exomes 0.00001; TOPMed 0.00001.
gnomAD v4.1: 24 of 1,613,320 alleles (0.0015%); highest among the groups gnomAD compares: Non-Finnish European, 0.002%; no homozygotes.

Submissions (6):

Fulgent Genetics
Classification: Likely pathogenic for Fanconi anemia complementation group A. Last evaluated: 2024-06-20. Review status: criteria provided, single submitter. Criteria: ACMG Guidelines, 2015. Collection method: clinical testing. Allele origin: germline.

Baylor Genetics
Classification: Likely pathogenic for Fanconi anemia complementation group A. Last evaluated: 2023-11-19. Review status: criteria provided, single submitter. Criteria: ACMG Guidelines, 2015. Collection method: clinical testing. Allele origin: unknown.

Labcorp Genetics (formerly Invitae), Labcorp
Classification: Likely pathogenic for Fanconi anemia. Last evaluated: 2022-04-18. Review status: criteria provided, single submitter. Criteria: Invitae Variant Classification Sherloc (09022015). Collection method: clinical testing. Allele origin: germline.
Comment: In summary, the currently available evidence indicates that the variant is pathogenic, but additional data are needed to prove that conclusively. Therefore, this variant has been classified as Likely Pathogenic. Algorithms developed to predict the effect of sequence changes on RNA splicing suggest that this variant may disrupt the consensus splice site. ClinVar contains an entry for this variant (Variation ID: 557092). Disruption of this splice site has been observed in individual(s) with Fanconi anemia (PMID: 15643609). This variant is present in population databases (no rsID available, gnomAD 0.01%). This sequence change affects an acceptor splice site in intron 29 of the FANCA gene. It is expected to disrupt RNA splicing. Variants that disrupt the donor or acceptor splice site typically lead to a loss of protein function (PMID: 16199547), and loss-of-function variants in FANCA are known to be pathogenic (PMID: 19367192).

Genetic Services Laboratory, University of Chicago
Classification: Pathogenic. Last evaluated: 2019-08-07. Review status: criteria provided, single submitter. Criteria: ACMG Guidelines, 2015. Collection method: clinical testing. Allele origin: germline. Affected: yes.
Comment: DNA sequence analysis of the FANCA gene demonstrated a splice mutation in the canonical acceptor site of intron 29. This pathogenic sequence change has been previously described in patients with Fanconi anemia (PMID: 15643609) and is predicted to affect normal splicing of the FANCA mRNA and result in a truncated protein.

Leiden Open Variation Database
Classification: Pathogenic for Fanconi anemia complementation group A. Last evaluated: 2020-02-28. Review status: no assertion criteria provided. Collection method: curation. Allele origin: germline. Affected: yes. Not counted in ClinVar's aggregate classification.
Comment: Curator: Arleen D. Auerbach. Submitter to LOVD: Arleen D. Auerbach.

Counsyl
Classification: Likely pathogenic for Fanconi anemia complementation group A. Last evaluated: 2018-03-07. Review status: no assertion criteria provided. Collection method: clinical testing. Allele origin: unknown. Not counted in ClinVar's aggregate classification.

Literature cited by the submitters: PubMed 15643609 (cited by Labcorp Genetics (formerly Invitae), Labcorp and Counsyl); PubMed 16199547 (cited by Labcorp Genetics (formerly Invitae), Labcorp); PubMed 19367192 (cited by Labcorp Genetics (formerly Invitae), Labcorp).

NM_000135.4(FANCA):c.2853-2A>C

Gene: FANCA (FA complementation group A; minus strand). Cytogenetic location: 16q24.3.
Variant type: single nucleotide variant.
Coding change: c.2853-2A>C on transcript NM_000135.4 (MANE Select); the canonical splice acceptor site of the intron before coding-DNA position 2853, A replaced by C.
Molecular consequence: splice acceptor variant.
Genome position (GRCh38, 1-based): chr16:89,758,707, T>G on the plus strand (A>C on the coding strand, the complement: FANCA is on the minus strand). VCF-style: chr16-89758707-T-G. GRCh37 (hg19) VCF-style: chr16-89825115-T-G.
Other names: c.2853-2A>C (NM_001286167.3).
Identifiers: ClinVar variation 557092 (VCV000557092.20), dbSNP rs947311062, ClinGen allele CA286549237.